The following is an entry in ClinVar:

NM_177438.3(DICER1):c.614T>C (p.Leu205Pro)

Gene: DICER1 (dicer 1, ribonuclease III; minus strand). Cytogenetic location: 14q32.13.
Variant type: single nucleotide variant.
Coding change: c.614T>C on transcript NM_177438.3 (MANE Select); coding-DNA position 614, T replaced by C.
Protein change: p.Leu205Pro; replaces leucine 205 with proline.
Molecular consequence: missense variant. On other transcripts: 5 prime UTR variant (1), non-coding transcript variant (6).
Genome position (GRCh38, 1-based): chr14:95,129,592, A>G on the plus strand (T>C on the coding strand, the complement: DICER1 is on the minus strand). VCF-style: chr14-95129592-A-G. GRCh37 (hg19) VCF-style: chr14-95595929-A-G.
Other names: c.614T>C, p.Leu205Pro (NM_001195573.1, NM_001271282.3, NM_001291628.2 and 15 more transcripts); c.332T>C, p.Leu111Pro (NM_001395686.1); c.209T>C, p.Leu70Pro (NM_001395687.1, NM_001395688.1, NM_001395689.1 and 3 more transcripts); c.47T>C, p.Leu16Pro (NM_001395691.1); c.-955T>C (NM_001395697.1); short protein forms L16P, L111P, L205P, L70P.
Identifiers: ClinVar variation 2718181 (VCV002718181.3), dbSNP rs2543284085, ClinGen allele CA390888225.
Genomic context (GRCh38, chr14:95,129,592, plus strand): 5'-TTCTGAATCTTTTCTTCCAATTCCTCTGGATCACATTTCCCATTTAAAATGGAAGCAGTT[A>G]GTCCCAAAATGCGAGGACATGATGGACAATTTTCACAGAGCTAACATAATAAAAGATACT-3'
Protein context (NP_803187.1, residues 195-215): NCPSCPRILG[Leu205Pro]TASILNGKCD

ClinVar aggregate classification (germline): Uncertain significance (1 of 4 stars; one submission).

Conditions:
DICER1-related tumor predisposition. Also called: DICER1-related pleuropulmonary blastoma cancer predisposition syndrome; DICER1 syndrome. Identifiers: Orphanet 284343, MedGen C3839822, MONDO:0100216.

Submission:

Labcorp Genetics (formerly Invitae), Labcorp
Classification: Uncertain significance for DICER1-related tumor predisposition. Last evaluated: 2023-06-01. Review status: criteria provided, single submitter. Criteria: Invitae Variant Classification Sherloc (09022015). Collection method: clinical testing. Allele origin: germline.
Comment: This variant is not present in population databases (gnomAD no frequency). This sequence change replaces leucine, which is neutral and non-polar, with proline, which is neutral and non-polar, at codon 205 of the DICER1 protein (p.Leu205Pro). This variant has not been reported in the literature in individuals affected with DICER1-related conditions. In summary, the available evidence is currently insufficient to determine the role of this variant in disease. Therefore, it has been classified as a Variant of Uncertain Significance. Advanced modeling of protein sequence and biophysical properties (such as structural, functional, and spatial information, amino acid conservation, physicochemical variation, residue mobility, and thermodynamic stability) performed at Invitae indicates that this missense variant is expected to disrupt DICER1 protein function.